The following is an entry in ClinVar:

ClinVar aggregate classification (germline): Pathogenic. Review status: criteria provided, multiple submitters, no conflicts (2 of 4 stars). 3 submissions from 3 submitters: Pathogenic (3). Last evaluated 2025-09-21.

Conditions:
Inborn genetic diseases. Identifiers: MedGen C0950123, MeSH D030342.

Allele frequency attached by ClinVar (database versions not stated): gnomAD exomes below 0.00001.

Submissions (3):

Labcorp Genetics (formerly Invitae), Labcorp
Classification: Pathogenic. Last evaluated: 2025-09-21. Review status: criteria provided, single submitter. Criteria: Invitae Variant Classification Sherloc (09022015). Collection method: clinical testing. Allele origin: germline.
Comment: This sequence change replaces histidine, which is basic and polar, with arginine, which is basic and polar, at codon 626 of the TGFBI protein (p.His626Arg). This variant is not present in population databases (gnomAD no frequency). This missense change has been observed in individuals with autosomal dominant lattice corneal dystrophy (PMID: 10328397, 12770961, 24831201). It has also been observed to segregate with disease in related individuals. ClinVar contains an entry for this variant (Variation ID: 2136335). Invitae Evidence Modeling of protein sequence and biophysical properties (such as structural, functional, and spatial information, amino acid conservation, physicochemical variation, residue mobility, and thermodynamic stability) indicates that this missense variant is expected to disrupt TGFBI protein function with a positive predictive value of 80%. Experimental studies have shown that this missense change affects TGFBI function (PMID: 28381645). For these reasons, this variant has been classified as Pathogenic.

GeneDx
Classification: Pathogenic. Last evaluated: 2025-03-18. Review status: criteria provided, single submitter. Criteria: GeneDx Variant Classification Process June 2021. Collection method: clinical testing. Allele origin: germline. Affected: yes.
Comment: Published functional studies demonstrate a damaging effect on protein function (PMID: 29524512, 28381645); In silico analysis supports that this missense variant has a deleterious effect on protein structure/function; Not observed at significant frequency in large population cohorts (gnomAD); This variant is associated with the following publications: (PMID: 19337156, 28358433, 16888689, 31836123, 12770961, 33816482, 36796020, 36902444, 20680100, 33513810, Pampukha2007[CaseReport], 27737463, 19303004, 19001012, 11297504, 24801599, 30851800, 26949635, 27348782, 28689406, 22575305, 28381645, 29524512, 24579556, 24831201, 11923233, 20664689, 10328397)

Ambry Genetics
Classification: Pathogenic for Inborn genetic diseases. Last evaluated: 2025-02-06. Review status: criteria provided, single submitter. Criteria: Ambry Variant Classification Scheme 2023. Collection method: clinical testing. Allele origin: germline.
Comment: The c.1877A>G (p.H626R) alteration is located in exon 14 (coding exon 14) of the TGFBI gene. This alteration results from an A to G substitution at nucleotide position 1877, causing the histidine (H) at amino acid position 626 to be replaced by an arginine (R). This variant was not reported in population-based cohorts in the Genome Aggregation Database (gnomAD). This variant was identified in one or more individuals with features consistent with lattice corneal dystrophy and segregated with disease in at least one family (Stewart, 1999; Munier, 2002; Chau, 2003; Yang, 2010; Lai, 2014). Note, this variant is also referred to as c.1924A>G in the literature. This amino acid position is not well conserved in available vertebrate species. Functional studies suggest a gain of toxic function; however, additional evidence is needed to confirm this finding (Anandalakshmi, 2017). This alteration is predicted to be deleterious by in silico analysis. Based on the available evidence, this alteration is classified as pathogenic.

Literature cited by the submitters: PubMed 10328397 (cited by Labcorp Genetics (formerly Invitae), Labcorp and Ambry Genetics); PubMed 12770961 (cited by Labcorp Genetics (formerly Invitae), Labcorp and Ambry Genetics); PubMed 24831201 (cited by Labcorp Genetics (formerly Invitae), Labcorp and Ambry Genetics); PubMed 28381645 (cited by Labcorp Genetics (formerly Invitae), Labcorp and Ambry Genetics); PubMed 11923233 (cited by Ambry Genetics); PubMed 20664689 (cited by Ambry Genetics).

NM_000358.3(TGFBI):c.1877A>G (p.His626Arg)

Gene: TGFBI (transforming growth factor beta induced; plus strand). Cytogenetic location: 5q31.1.
Variant type: single nucleotide variant.
Coding change: c.1877A>G on transcript NM_000358.3 (MANE Select); coding-DNA position 1877, A replaced by G.
Protein change: p.His626Arg; replaces histidine 626 with arginine.
Molecular consequence: missense variant.
Genome position (GRCh38, 1-based): chr5:136,060,907, A>G. VCF-style: chr5-136060907-A-G. GRCh37 (hg19) VCF-style: chr5-135396596-A-G.
Other names: c.1877A>G (NM_000358.2); short protein forms H626R.
Identifiers: ClinVar variation 2136335 (VCV002136335.6), dbSNP rs1052006472, ClinGen allele CA128060917.